The following is an entry in ClinVar:

NM_000094.4(COL7A1):c.883C>T (p.Arg295Trp)

Gene: COL7A1 (collagen type VII alpha 1 chain; minus strand). Cytogenetic location: 3p21.31.
Variant type: single nucleotide variant.
Coding change: c.883C>T on transcript NM_000094.4 (MANE Select); coding-DNA position 883, C replaced by T.
Protein change: p.Arg295Trp; replaces arginine 295 with tryptophan.
Molecular consequence: missense variant.
Genome position (GRCh38, 1-based): chr3:48,592,663, G>A on the plus strand (C>T on the coding strand, the complement: COL7A1 is on the minus strand). VCF-style: chr3-48592663-G-A. GRCh37 (hg19) VCF-style: chr3-48630096-G-A.
Other names: short protein forms R295W.
Identifiers: ClinVar variation 3634786 (VCV003634786.2).
Genomic context (GRCh38, chr3:48,592,663, plus strand): 5'-TGCTGTTGGCGTAGAGGGCAATCACAGTCACTTGGTACTCGGTCAGTGGCCGGAGACCCC[G>A]CAGCCGCACACTGGTCTCACCAGCTGGGACGTTCACCTGCCCAGGGCAAGAGGTCACTTT-3'
Protein context (NP_000085.1, residues 285-305): VPAGETSVRL[Arg295Trp]GLRPLTEYQV

ClinVar aggregate classification (germline): Uncertain significance (1 of 4 stars; one submission).

Submission:

Labcorp Genetics (formerly Invitae), Labcorp
Classification: Uncertain significance. Last evaluated: 2026-01-05. Review status: criteria provided, single submitter. Criteria: Invitae Variant Classification Sherloc (09022015). Collection method: clinical testing. Allele origin: germline.
Comment: This sequence change replaces arginine, which is basic and polar, with tryptophan, which is neutral and slightly polar, at codon 295 of the COL7A1 protein (p.Arg295Trp). The frequency data for this variant in the population databases is considered unreliable, as metrics indicate poor data quality at this position in the gnomAD database. This variant has not been reported in the literature in individuals affected with COL7A1-related conditions. ClinVar contains an entry for this variant (Variation ID: 3634786). Invitae Evidence Modeling of protein sequence and biophysical properties (such as structural, functional, and spatial information, amino acid conservation, physicochemical variation, residue mobility, and thermodynamic stability) indicates that this missense variant is not expected to disrupt COL7A1 protein function with a negative predictive value of 95%. In summary, the available evidence is currently insufficient to determine the role of this variant in disease. Therefore, it has been classified as a Variant of Uncertain Significance.